The following is an entry in ClinVar:

NM_001903.5(CTNNA1):c.2169dup (p.Met724fs)

Gene: CTNNA1 (catenin alpha 1; plus strand). Cytogenetic location: 5q31.2.
Variant type: Duplication.
Coding change: c.2169dup on transcript NM_001903.5 (MANE Select); coding-DNA position 2169, one base duplicated (G; older notation c.2169dupG).
Protein change: p.Met724fs; shifts the reading frame from methionine 724.
Molecular consequence: frameshift variant.
Genome position (GRCh38, 1-based): chr5:138,930,631, G duplicated. VCF-style (leftmost placement, unchanged base first): chr5-138930630-T-TG. GRCh37 (hg19) VCF-style: chr5-138266319-T-TG.
Other names: c.1059dup, p.Met354fs (NM_001323989.1, NM_001323990.1, NM_001323991.1 and 17 more transcripts); c.720dup, p.Met241fs (NM_001324006.1, NM_001324007.1, NM_001324008.1 and 2 more transcripts); c.966dup, p.Met323fs (NM_001324011.1); c.816dup, p.Met273fs (NM_001324012.1, NM_001324013.1); c.2076dup, p.Met693fs (NM_001323986.2); c.2169dup, p.Met724fs (NM_001290307.3, NM_001323982.2, NM_001323983.1 and 2 more transcripts); c.1860dup, p.Met621fs (NM_001290309.3); c.1800dup, p.Met601fs (NM_001290310.3); short protein forms M241fs, M693fs, M273fs, M354fs, M621fs, M724fs, M323fs, M601fs.
Identifiers: ClinVar variation 3660296 (VCV003660296.2).

ClinVar aggregate classification (germline): Pathogenic (1 of 4 stars; one submission).

Submission:

Labcorp Genetics (formerly Invitae), Labcorp
Classification: Pathogenic. Last evaluated: 2024-07-23. Review status: criteria provided, single submitter. Criteria: Invitae Variant Classification Sherloc (09022015). Collection method: clinical testing. Allele origin: germline.
Comment: This sequence change creates a premature translational stop signal (p.Met724Aspfs*10) in the CTNNA1 gene. It is expected to result in an absent or disrupted protein product. Loss-of-function variants in CTNNA1 are known to be pathogenic (PMID: 32051609, 34425242). This variant is not present in population databases (gnomAD no frequency). This variant has not been reported in the literature in individuals affected with CTNNA1-related conditions. For these reasons, this variant has been classified as Pathogenic.

Literature cited by the submitters: PubMed 32051609; PubMed 34425242.